The following is an entry in ClinVar:

NM_006785.4(MALT1):c.2043T>G (p.His681Gln)

Gene: MALT1 (MALT1 paracaspase; plus strand). Cytogenetic location: 18q21.32.
Variant type: single nucleotide variant.
Coding change: c.2043T>G on transcript NM_006785.4 (MANE Select); coding-DNA position 2043, T replaced by G.
Protein change: p.His681Gln; replaces histidine 681 with glutamine.
Molecular consequence: missense variant.
Genome position (GRCh38, 1-based): chr18:58,747,410, T>G. VCF-style: chr18-58747410-T-G. GRCh37 (hg19) VCF-style: chr18-56414642-T-G.
Other names: c.2010T>G, p.His670Gln (NM_173844.3); short protein forms H670Q, H681Q.
Identifiers: ClinVar variation 3632257 (VCV003632257.2).

ClinVar aggregate classification (germline): Uncertain significance (1 of 4 stars; one submission).

Conditions:
Combined immunodeficiency due to MALT1 deficiency. Also called: Immunodeficiency 12. Identifiers: Orphanet 397964, MedGen C3809583, MONDO:0014197, OMIM 615468.

Submission:

Labcorp Genetics (formerly Invitae), Labcorp
Classification: Uncertain significance for Combined immunodeficiency due to MALT1 deficiency. Last evaluated: 2024-05-26. Review status: criteria provided, single submitter. Criteria: Invitae Variant Classification Sherloc (09022015). Collection method: clinical testing. Allele origin: germline.
Comment: This sequence change replaces histidine, which is basic and polar, with glutamine, which is neutral and polar, at codon 681 of the MALT1 protein (p.His681Gln). This variant is not present in population databases (gnomAD no frequency). This variant has not been reported in the literature in individuals affected with MALT1-related conditions. Advanced modeling of protein sequence and biophysical properties (such as structural, functional, and spatial information, amino acid conservation, physicochemical variation, residue mobility, and thermodynamic stability) performed at Invitae indicates that this missense variant is not expected to disrupt MALT1 protein function with a negative predictive value of 80%. In summary, the available evidence is currently insufficient to determine the role of this variant in disease. Therefore, it has been classified as a Variant of Uncertain Significance.